The following is an entry in ClinVar:

NM_138694.4(PKHD1):c.4212G>A (p.Gly1404=)

Gene: PKHD1 (PKHD1 ciliary IPT domain containing fibrocystin/polyductin; minus strand). Cytogenetic location: 6p12.2.
Variant type: single nucleotide variant.
Coding change: c.4212G>A on transcript NM_138694.4 (MANE Select); coding-DNA position 4212, G replaced by A.
Protein change: p.Gly1404=; no amino-acid change (glycine 1404 retained).
Molecular consequence: synonymous variant.
Genome position (GRCh38, 1-based): chr6:52,025,598, C>T on the plus strand (G>A on the coding strand, the complement: PKHD1 is on the minus strand). VCF-style: chr6-52025598-C-T. GRCh37 (hg19) VCF-style: chr6-51890396-C-T.
Other names: c.4212G>A, p.Gly1404= (NM_170724.3); c.4212G>A (NM_138694.3).
Identifiers: ClinVar variation 1129114 (VCV001129114.9), dbSNP rs751984319, ClinGen allele CA3852757.

ClinVar aggregate classification (germline): Likely benign. Review status: criteria provided, single submitter (1 of 4 stars). 2 submissions from 2 submitters: Likely benign (1). 1 of the submissions does not count toward it. Last evaluated 2024-02-29.

Conditions:
PKHD1-related disorder. Also called: PKHD1-related condition.
Autosomal recessive polycystic kidney disease (ARPKD). Also called: AR polycystic kidney disease. Identifiers: Orphanet 731, Orphanet 8378, MedGen C0085548, MeSH D017044, MONDO:0009889.

Allele frequency attached by ClinVar (database versions not stated): gnomAD 0.00001; gnomAD exomes 0.00001 and 0.00003; TOPMed 0.00001; ExAC 0.00002.
gnomAD v4.1: 13 of 1,614,062 alleles (0.00081%); highest among the groups gnomAD compares: East Asian, 0.027%; no homozygotes.

Submissions (2):

Labcorp Genetics (formerly Invitae), Labcorp
Classification: Likely benign for Autosomal recessive polycystic kidney disease. Last evaluated: 2024-02-29. Review status: criteria provided, single submitter. Criteria: Invitae Variant Classification Sherloc (09022015). Collection method: clinical testing. Allele origin: germline.

PreventionGenetics, part of Exact Sciences
Classification: Likely benign for PKHD1-related condition. Last evaluated: 2023-07-13. Review status: no assertion criteria provided. Collection method: clinical testing. Allele origin: germline. Not counted in ClinVar's aggregate classification.
Comment: This variant is classified as likely benign based on ACMG/AMP sequence variant interpretation guidelines (Richards et al. 2015 PMID: 25741868, with internal and published modifications).